The following is an entry in ClinVar:

ClinVar aggregate classification (germline): Pathogenic (3 of 4 stars; one submission).

Conditions:
Lynch syndrome. Identifiers: Orphanet 144, MedGen C4552100, MONDO:0005835. Disease mechanism: loss of function.

Submission:

International Society for Gastrointestinal Hereditary Tumours (InSiGHT)
Classification: Pathogenic for Lynch Syndrome. Last evaluated: 2013-09-05. Review status: reviewed by expert panel. Criteria: Guidelines v1.9. Collection method: research. Allele origin: germline.
Comment: Coding sequence variation resulting in a stop codon

Classified with v1.9 guidelines

NM_000179.3(MSH6):c.3757_3758insA (p.Val1253fs)

Gene: MSH6 (mutS homolog 6; plus strand). Cytogenetic location: 2p16.3.
Variant type: Insertion.
Coding change: c.3757_3758insA on transcript NM_000179.3 (MANE Select); coding-DNA positions 3757 to 3758, A inserted.
Protein change: p.Val1253fs; shifts the reading frame from valine 1253.
Molecular consequence: frameshift variant.
Genome position: GRCh38 VCF-style: chr2-47806314-G-GA. GRCh37 (hg19) VCF-style: chr2-48033453-G-GA.
Other names: c.3367_3368insA, p.Val1123fs (NM_001281492.2); c.2851_2852insA, p.Val951fs (NM_001281493.2, NM_001281494.2); short protein forms V1253fs, V951fs, V1123fs.
Identifiers: ClinVar variation 89456 (VCV000089456.2), dbSNP rs587779289, ClinGen allele CA014173.
Genomic context (GRCh38, chr2:47,806,314, plus strand): 5'-AAAGAACTTGCTGAGACTATAAAATGTCGTACATTATTTTCAACTCACTACCATTCATTA[G>GA]TAGAAGATTATTCTCAAAATGTTGCTGTGCGCCTAGGACATATGGTATGTGCAAATTGTT-3'